The following is an entry in ClinVar:

ClinVar aggregate classification (germline): Likely benign. Review status: reviewed by expert panel (3 of 4 stars). 2 submissions from 2 submitters: Likely benign (1). 1 of the submissions does not count toward it. Last evaluated 2024-09-10.

Conditions:
Hereditary thrombocytopenia and hematological cancer predisposition syndrome associated with RUNX1. Also called: Familial Platelet Disorder with Propensity to Acute Myelogenous Leukemia; Familial thrombocytopenia with propensity to acute myelogenous leukemia; PLATELET DISORDER, ASPIRIN-LIKE; RUNX1 Familial Platelet Disorder with Associated Myeloid Malignancies. Identifiers: Orphanet 71290, MedGen C1832388, MeSH C563324, MONDO:0100083, OMIM 601399.
Hereditary thrombocytopenia and hematologic cancer predisposition syndrome. Identifiers: Orphanet 71290, MedGen CN281654, MONDO:0011071.

Submissions (2):

ClinGen Myeloid Malignancy Variant Curation Expert Panel
Classification: Likely benign for Hereditary thrombocytopenia and hematologic cancer predisposition syndrome. Last evaluated: 2024-09-10. Review status: reviewed by expert panel. Criteria: ClinGen MyeloMalig ACMG Specifications v2. Collection method: curation. Allele origin: germline. Inheritance: Autosomal dominant inheritance.
Comment: NM_001754.5(RUNX1):c.1432A>C (p.Arg478=) is a synonymous variant which has a SpliceAI score ≤ 0.20 (0.0) (BP4). This variant has a SpliceAI score ≤ 0.20 (0.0) and evolutionary conservation algorithms predict the site as not being conserved (PhyloP score ≤ 2.0 (1.87) (BP7). This variant is completely absent from all population databases with at least 20x coverage for RUNX1 (PM2_Supporting). In summary, this variant meets criteria to be classified as likely benign. ACMG/AMP criteria applied, as specified by the Myeloid Malignancy Variant Curation Expert Panel for RUNX1: BP4, BP7, PM2_supporting.

Labcorp Genetics (formerly Invitae), Labcorp
Classification: Likely benign for Hereditary thrombocytopenia and hematological cancer predisposition syndrome associated with RUNX1. Last evaluated: 2022-09-14. Review status: criteria provided, single submitter. Criteria: Invitae Variant Classification Sherloc (09022015). Collection method: clinical testing. Allele origin: germline. Not counted in ClinVar's aggregate classification.

NM_001754.5(RUNX1):c.1432A>C (p.Arg478=)

Gene: RUNX1 (RUNX family transcription factor 1; minus strand). Cytogenetic location: 21q22.12.
Variant type: single nucleotide variant.
Coding change: c.1432A>C on transcript NM_001754.5 (MANE Select); coding-DNA position 1432, A replaced by C.
Protein change: p.Arg478=; no amino-acid change (arginine 478 retained).
Molecular consequence: synonymous variant.
Genome position (GRCh38, 1-based): chr21:34,792,146, T>G on the plus strand (A>C on the coding strand, the complement: RUNX1 is on the minus strand). VCF-style: chr21-34792146-T-G. GRCh37 (hg19) VCF-style: chr21-36164443-T-G.
Other names: NM_001754.5(RUNX1):c.1432A>C; p.Arg478=; c.1351A>C, p.Arg451= (NM_001001890.3).
Identifiers: ClinVar variation 2124494 (VCV002124494.5), dbSNP rs2145871609, ClinGen allele CA512232102.